The following is an entry in ClinVar:

NM_003072.5(SMARCA4):c.1386C>G (p.Ile462Met)

Gene: SMARCA4 (SWI/SNF related BAF chromatin remodeling complex subunit ATPase 4; plus strand). Cytogenetic location: 19p13.2.
Variant type: single nucleotide variant.
Coding change: c.1386C>G on transcript NM_003072.5 (MANE Select); coding-DNA position 1386, C replaced by G.
Protein change: p.Ile462Met; replaces isoleucine 462 with methionine.
Molecular consequence: missense variant. On other transcripts: non-coding transcript variant (1).
Genome position (GRCh38, 1-based): chr19:10,991,290, C>G. VCF-style: chr19-10991290-C-G. GRCh37 (hg19) VCF-style: chr19-11101966-C-G.
Other names: c.1386C>G, p.Ile462Met (NM_001128844.3, NM_001128845.2, NM_001128846.2 and 5 more transcripts); c.1386C>G (NM_001128849.1); short protein forms I462M.
Identifiers: ClinVar variation 1050905 (VCV001050905.12), dbSNP rs1265247876, ClinGen allele CA404061023.

ClinVar aggregate classification (germline): Uncertain significance. Review status: criteria provided, multiple submitters, no conflicts (2 of 4 stars). 3 submissions from 3 submitters: Uncertain significance (3). Last evaluated 2025-02-18.

Conditions:
Hereditary cancer-predisposing syndrome. Also called: Tumor predisposition; Hereditary neoplastic syndrome; Hereditary Cancer Syndrome; Neoplastic Syndromes, Hereditary. Identifiers: Orphanet 140162, MedGen C0027672, MeSH D009386, MONDO:0015356.
Rhabdoid tumor predisposition syndrome 2 (RTPS2). Identifiers: Orphanet 231108, Orphanet 69077, MedGen C2750074, MONDO:0013224, OMIM 613325.

gnomAD v4.1: 3 of 1,609,068 alleles (0.00019%); highest among the groups gnomAD compares: South Asian, 0.0011%; no homozygotes.

Submissions (3):

Labcorp Genetics (formerly Invitae), Labcorp
Classification: Uncertain significance for Rhabdoid tumor predisposition syndrome 2. Last evaluated: 2025-02-18. Review status: criteria provided, single submitter. Criteria: Invitae Variant Classification Sherloc (09022015). Collection method: clinical testing. Allele origin: germline.
Comment: This sequence change replaces isoleucine, which is neutral and non-polar, with methionine, which is neutral and non-polar, at codon 462 of the SMARCA4 protein (p.Ile462Met). This variant is not present in population databases (gnomAD no frequency). This variant has not been reported in the literature in individuals affected with SMARCA4-related conditions. ClinVar contains an entry for this variant (Variation ID: 1050905). Invitae Evidence Modeling of protein sequence and biophysical properties (such as structural, functional, and spatial information, amino acid conservation, physicochemical variation, residue mobility, and thermodynamic stability) indicates that this missense variant is not expected to disrupt SMARCA4 protein function with a negative predictive value of 95%. In summary, the available evidence is currently insufficient to determine the role of this variant in disease. Therefore, it has been classified as a Variant of Uncertain Significance.

Ambry Genetics
Classification: Uncertain significance for Hereditary cancer-predisposing syndrome. Last evaluated: 2024-06-10. Review status: criteria provided, single submitter. Criteria: Ambry Variant Classification Scheme 2023. Collection method: clinical testing. Allele origin: germline.
Comment: The p.I462M variant (also known as c.1386C>G), located in coding exon 7 of the SMARCA4 gene, results from a C to G substitution at nucleotide position 1386. The isoleucine at codon 462 is replaced by methionine, an amino acid with highly similar properties. This amino acid position is highly conserved in available vertebrate species. In addition, this alteration is predicted to be tolerated by in silico analysis. Based on the supporting evidence, the association of this alteration with Coffin-Siris syndrome is unknown; however, the association of this alteration with rhabdoid tumor predisposition syndrome is unlikely.

Baylor Genetics
Classification: Uncertain significance for Rhabdoid tumor predisposition syndrome 2. Last evaluated: 2023-10-27. Review status: criteria provided, single submitter. Criteria: ACMG Guidelines, 2015. Collection method: clinical testing. Allele origin: unknown.